The following is an entry in ClinVar:

ClinVar aggregate classification (germline): Uncertain significance (1 of 4 stars; one submission).

Allele frequency attached by ClinVar (database versions not stated): TOPMed below 0.00001; gnomAD 0.00001.

Submission:

Labcorp Genetics (formerly Invitae), Labcorp
Classification: Uncertain significance. Last evaluated: 2024-08-14. Review status: criteria provided, single submitter. Criteria: Invitae Variant Classification Sherloc (09022015). Collection method: clinical testing. Allele origin: germline.
Comment: This sequence change replaces serine with phenylalanine at codon 248 of the FOXI3 protein (p.Ser248Phe). The serine residue is weakly conserved and there is a large physicochemical difference between serine and phenylalanine. The frequency data for this variant in the population databases is considered unreliable, as metrics indicate poor data quality at this position in the gnomAD database. This variant has not been reported in the literature in individuals affected with FOXI3-related conditions. ClinVar contains an entry for this variant (Variation ID: 1442013). Experimental studies and prediction algorithms are not available or were not evaluated, and the functional significance of this variant is currently unknown. In summary, the available evidence is currently insufficient to determine the role of this variant in disease. Therefore, it has been classified as a Variant of Uncertain Significance.

NM_001135649.3(FOXI3):c.743C>T (p.Ser248Phe)

Gene: FOXI3 (forkhead box I3; minus strand). Cytogenetic location: 2p11.2.
Variant type: single nucleotide variant.
Coding change: c.743C>T on transcript NM_001135649.3 (MANE Select); coding-DNA position 743, C replaced by T.
Protein change: p.Ser248Phe; replaces serine 248 with phenylalanine.
Molecular consequence: missense variant.
Genome position (GRCh38, 1-based): chr2:88,448,727, G>A on the plus strand (C>T on the coding strand, the complement: FOXI3 is on the minus strand). VCF-style: chr2-88448727-G-A. GRCh37 (hg19) VCF-style: chr2-88748246-G-A.
Other names: short protein forms S248F.
Identifiers: ClinVar variation 1442013 (VCV001442013.6), dbSNP rs763315727, ClinGen allele CA1753997.